The following is an entry in ClinVar:

NM_002691.4(POLD1):c.2388+5G>A

Gene: POLD1 (DNA polymerase delta 1, catalytic subunit; plus strand). Cytogenetic location: 19q13.33.
Variant type: single nucleotide variant.
Coding change: c.2388+5G>A on transcript NM_002691.4 (MANE Select); 5 bases into the intron after coding-DNA position 2388, G replaced by A.
Molecular consequence: intron variant.
Genome position (GRCh38, 1-based): chr19:50,413,884, G>A. VCF-style: chr19-50413884-G-A. GRCh37 (hg19) VCF-style: chr19-50917141-G-A.
Other names: c.2466+5G>A (LRG_785t2, NM_001308632.1); c.2388+5G>A (LRG_785t1, NM_001256849.1).
Identifiers: ClinVar variation 408012 (VCV000408012.28), dbSNP rs750085275, ClinGen allele CA9596498.
Genomic context (GRCh38, chr19:50,413,884, plus strand): 5'-CCGCGGACTGGGTGTCAGGTCACTTCCCGTCGCCCATCCGGCTGGAGTTTGAGAAGGTGC[G>A]TGGCTGGGTCAGGGGCTCTGCATTTAGGTGCCCTCATCAGGGTACTCAGGGTGTCCCGTT-3'

ClinVar aggregate classification (germline): Conflicting classifications of pathogenicity. Review status: criteria provided, conflicting classifications (1 of 4 stars). 9 submissions from 9 submitters: Uncertain significance (7); Likely benign (2). Last evaluated 2026-08-06.

Conditions:
POLD1-related polyposis and colorectal cancer syndrome (CRCS10). Also called: Colorectal cancer, susceptibility to, 10; Colorectal cancer 10; COLORECTAL CANCER, SUSCEPTIBILITY TO, ON CHROMOSOME 19q. Identifiers: Orphanet 220460, MedGen C2675481, MONDO:0012953, OMIM 612591.
Hereditary cancer-predisposing syndrome. Also called: Neoplastic Syndromes, Hereditary; Hereditary neoplastic syndrome; Hereditary Cancer Syndrome; Tumor predisposition. Identifiers: Orphanet 140162, MedGen C0027672, MeSH D009386, MONDO:0015356.

Allele frequency attached by ClinVar (database versions not stated): gnomAD exomes 0.00004 and 0.00006; ExAC 0.00005; TOPMed 0.00006; gnomAD 0.00007 and 0.00009.
gnomAD v4.1: 70 of 1,593,864 alleles (0.0044%); highest among the groups gnomAD compares: Middle Eastern, 0.067%; no homozygotes.

Submissions (9):

OLLIN Analises Genomicas, OLLIN
Classification: Uncertain significance for POLD1-related polyposis and colorectal cancer syndrome. Last evaluated: 2026-08-06. Review status: criteria provided, single submitter. Criteria: ACMG Guidelines 2015 PMID 25741868. Collection method: clinical testing. Allele origin: germline. Inheritance: Autosomal recessive inheritance.
Comment: This variant, has been reported in ClinVar (accession VCV000408012.26) and in gnomAD with an allele frequency of 0.0044%. However, to our knowledge, it has not been reported in the scientific literature. According to the currently available evidence, this variant has been classified as uncertain significance (PP3).

Labcorp Genetics (formerly Invitae), Labcorp
Classification: Uncertain significance for POLD1-related polyposis and colorectal cancer syndrome. Last evaluated: 2026-01-19. Review status: criteria provided, single submitter. Criteria: Invitae Variant Classification Sherloc (09022015). Collection method: clinical testing. Allele origin: germline.
Comment: This sequence change falls in intron 19 of the POLD1 gene. It does not directly change the encoded amino acid sequence of the POLD1 protein. It affects a nucleotide within the consensus splice site. This variant is present in population databases (rs750085275, gnomAD 0.01%). This variant has been observed in individual(s) with breast cancer (PMID: 34646395, 35534704). ClinVar contains an entry for this variant (Variation ID: 408012). Variants that disrupt the consensus splice site are a relatively common cause of aberrant splicing (PMID: 17576681, 9536098). Studies have shown that this variant is associated with inconclusive levels of altered splicing (internal data). In summary, the available evidence is currently insufficient to determine the role of this variant in disease. Therefore, it has been classified as a Variant of Uncertain Significance.

Women's Health and Genetics/Laboratory Corporation of America, LabCorp
Classification: Uncertain significance. Last evaluated: 2025-02-17. Review status: criteria provided, single submitter. Criteria: LabCorp Variant Classification Summary - May 2015. Collection method: clinical testing. Allele origin: germline.
Comment: Variant summary: POLD1 c.2388+5G>A alters a non-conserved nucleotide located close to a canonical splice site and therefore could affect mRNA splicing, leading to a significantly altered protein sequence. Several computational tools predict a significant impact on normal splicing: Four predict the variant weakens the canonical intron 19, 5' splicing donor site. However, these predictions have yet to be confirmed by peer reviewed functional studies. In-house RNA analysis demonstrated inconclusive levels of in-frame skipping of exon 19 resulting in r.2251_2388del (p.Val752_Val797del), however, the in-vivo relevance of this finding is unclear (internal data). To our knowledge, no pathogenic/likely pathogenic variants have been reported in exon 19. The variant allele was found at a frequency of 5.7e-05 in 229954 control chromosomes. The observed variant frequency exceeds the estimated maximal expected allele frequency for a pathogenic variant in POLD1 causing Mandibular Hypoplasia, Deafness, Progeroid Features, And Lipodystrophy Syndrome phenotype (6.3e-07) or susceptibility to colorectal cancer (1.4e-05). c.2388+5G>A has been reported in the literature as a VUS in settings of multigene panel testing for hereditary cancer but has not been reported in individuals with Autosomal Dominant Mandibular Hypoplasia, Deafness, Progeroid Features, And Lipodystrophy Syndrome. The association of POLD1 with Autosomal Recessive Immunodeficiency 120 is limited at this moment and loss of function of POLD1 is not an established mechanism of disease. Therefore, these report(s) do not provide unequivocal conclusions about association of the variant with any of the POLD1-related disorders. To our knowledge, no experimental evidence demonstrating an impact on protein function has been reported. The following publications have been ascertained in the context of this evaluation (PMID: 34326862, 34646395, 35534704). ClinVar contains an entry for this variant (Variation ID: 408012). Based on the evidence outlined above, the variant was classified as VUS-possibly benign.

Blueprint Genetics
Classification: Uncertain significance. Last evaluated: 2024-04-02. Review status: criteria provided, single submitter. Criteria: ACMG Guidelines, 2015. Collection method: clinical testing. Allele origin: germline.

GeneDx
Classification: Uncertain significance. Last evaluated: 2024-04-02. Review status: criteria provided, single submitter. Criteria: GeneDx Variant Classification Process June 2021. Collection method: clinical testing. Allele origin: germline. Affected: yes.
Comment: In silico analysis suggests this variant may impact gene splicing. In the absence of RNA/functional studies, the actual effect of this sequence change is unknown.; Observed in individuals with personal and/or family history of breast cancer (PMID: 34326862, 34646395, 35534704); This variant is associated with the following publications: (PMID: 34326862, 34646395, 35534704)

Sema4
Classification: Likely benign for Hereditary cancer-predisposing syndrome. Last evaluated: 2021-02-19. Review status: criteria provided, single submitter. Criteria: Sema4 Curation Guidelines. Collection method: curation. Allele origin: germline.

Ambry Genetics
Classification: Likely benign for Hereditary cancer-predisposing syndrome. Last evaluated: 2020-06-01. Review status: criteria provided, single submitter. Criteria: Ambry Variant Classification Scheme 2023. Collection method: clinical testing. Allele origin: germline.

Quest Diagnostics Nichols Institute San Juan Capistrano
Classification: Uncertain significance. Last evaluated: 2020-03-20. Review status: criteria provided, single submitter. Criteria: Quest Diagnostics criteria. Collection method: clinical testing. Allele origin: unknown.

Mendelics
Classification: Uncertain significance for POLD1-related polyposis and colorectal cancer syndrome. Last evaluated: 2019-05-28. Review status: criteria provided, single submitter. Criteria: Mendelics Assertion Criteria 2017. Collection method: clinical testing. Allele origin: unknown.

Literature cited by the submitters: PubMed 34646395 (cited by Labcorp Genetics (formerly Invitae), Labcorp and Women's Health and Genetics/Laboratory Corporation of America, LabCorp); PubMed 35534704 (cited by Labcorp Genetics (formerly Invitae), Labcorp and Women's Health and Genetics/Laboratory Corporation of America, LabCorp); PubMed 17576681 (cited by Labcorp Genetics (formerly Invitae), Labcorp); PubMed 9536098 (cited by Labcorp Genetics (formerly Invitae), Labcorp); PubMed 34326862 (cited by Women's Health and Genetics/Laboratory Corporation of America, LabCorp).